The following is an entry in ClinVar:

ClinVar aggregate classification (germline): Uncertain significance (1 of 4 stars; one submission).

Conditions:
Alpha thalassemia-X-linked intellectual disability syndrome (ATRX). Also called: ALPHA-THALASSEMIA/MENTAL RETARDATION SYNDROME, X-LINKED; ATR, NONDELETION TYPE; ATR-X syndrome; Alpha thalassemia mental retardation syndrome, nondeletion type, X-linked; XLMR hypotonic face syndrome; X-linked alpha-thalassemia-mental retardation syndrome. Identifiers: Orphanet 847, MedGen C1845055, MONDO:0010519, OMIM 301040.

Submission:

Labcorp Genetics (formerly Invitae), Labcorp
Classification: Uncertain significance for Alpha thalassemia-X-linked intellectual disability syndrome. Last evaluated: 2025-02-12. Review status: criteria provided, single submitter. Criteria: Invitae Variant Classification Sherloc (09022015). Collection method: clinical testing. Allele origin: germline.
Comment: This sequence change replaces lysine, which is basic and polar, with glutamine, which is neutral and polar, at codon 1899 of the ATRX protein (p.Lys1899Gln). This variant is not present in population databases (gnomAD no frequency). This variant has not been reported in the literature in individuals affected with ATRX-related conditions. An algorithm developed to predict the effect of missense changes on protein structure and function (PolyPhen-2) suggests that this variant is likely to be disruptive. In summary, the available evidence is currently insufficient to determine the role of this variant in disease. Therefore, it has been classified as a Variant of Uncertain Significance.

NM_000489.6(ATRX):c.5695A>C (p.Lys1899Gln)

Gene: ATRX (ATRX chromatin remodeler; minus strand). Cytogenetic location: Xq21.1.
Variant type: single nucleotide variant.
Coding change: c.5695A>C on transcript NM_000489.6 (MANE Select); coding-DNA position 5695, A replaced by C.
Protein change: p.Lys1899Gln; replaces lysine 1899 with glutamine.
Molecular consequence: missense variant.
Genome position (GRCh38, 1-based): chrX:77,600,436, T>G on the plus strand (A>C on the coding strand, the complement: ATRX is on the minus strand). VCF-style: chrX-77600436-T-G. GRCh37 (hg19) VCF-style: chrX-76855905-T-G.
Other names: c.5581A>C, p.Lys1861Gln (NM_138270.5); short protein forms K1899Q, K1861Q.
Identifiers: ClinVar variation 3666473 (VCV003666473.2).